The following is an entry in ClinVar:

NM_080425.4(GNAS):c.923C>T (p.Pro308Leu)

Gene: GNAS (GNAS complex locus; plus strand). Cytogenetic location: 20q13.32.
Variant type: single nucleotide variant.
Coding change: c.923C>T on transcript NM_080425.4 (MANE Plus Clinical); coding-DNA position 923, C replaced by T.
Protein change: p.Pro308Leu; replaces proline 308 with leucine.
Molecular consequence: missense variant. On other transcripts: genic upstream transcript variant (1), intron variant (3).
Genome position (GRCh38, 1-based): chr20:58,854,188, C>T. VCF-style: chr20-58854188-C-T. GRCh37 (hg19) VCF-style: chr20-57429243-C-T.
Other names: c.923C>T (NM_080425.3); c.-37539C>T (NM_000516.7); c.736C>T, p.Arg246Cys (NM_001077490.3, NM_001309883.1); c.923C>T, p.Pro308Leu (NM_001410913.1); c.*42+13302C>T (NM_016592.5); c.43+13302C>T (NM_001410912.1); c.-39+12313C>T (NM_001309861.2); short protein forms P308L, R246C.
Identifiers: ClinVar variation 2682499 (VCV002682499.2), dbSNP rs766422930, ClinGen allele CA9926578.

ClinVar aggregate classification (germline): Uncertain significance. Review status: criteria provided, multiple submitters, no conflicts (2 of 4 stars). 2 submissions from 2 submitters: Uncertain significance (2). Last evaluated 2026-07-08.

Conditions:
GNAS-related disorder. Identifiers: MedGen CN380105.

Allele frequency attached by ClinVar (database versions not stated): TOPMed 0.00002.
gnomAD v4.1: 14 of 1,612,954 alleles (0.00087%); highest among the groups gnomAD compares: Non-Finnish European, 0.001%; no homozygotes.

Submissions (2):

PreventionGenetics, part of Exact Sciences
Classification: Uncertain significance for GNAS-related condition. Last evaluated: 2026-07-08. Review status: criteria provided, single submitter. Criteria: ACMG Guidelines, 2015. Collection method: clinical testing. Allele origin: germline.
Comment: The GNAS c.923C>T variant is predicted to result in the amino acid substitution p.Pro308Leu. This variant is also designated c.-37539C>T (pre-coding) on the primary transcript NM_000516.5. To our knowledge, this variant has not been reported in the literature. This variant is reported in 0.0040% of alleles in individuals of European (Non-Finnish) descent in gnomAD. At this time, the clinical significance of this variant is uncertain due to the absence of conclusive functional and genetic evidence.

Women's Health and Genetics/Laboratory Corporation of America, LabCorp
Classification: Uncertain significance. Last evaluated: 2023-11-02. Review status: criteria provided, single submitter. Criteria: LabCorp Variant Classification Summary - May 2015. Collection method: clinical testing. Allele origin: germline.
Comment: Variant summary: GNAS c.-37539C>T is located in the untranscribed region upstream of the GNAS gene region. The variant allele was found at a frequency of 1.6e-05 in 246318 control chromosomes (gnomAD). The available data on variant occurrences in the general population are insufficient to allow any conclusion about variant significance. To our knowledge, no occurrence of c.-37539C>T in individuals affected with GNAS-Related Disorders and no experimental evidence demonstrating its impact on protein function have been reported. No submitters have reported clinical-significance assessments for this variant to ClinVar after 2014. Based on the evidence outlined above, the variant was classified as uncertain significance.